The following is an entry in ClinVar:

NM_206933.4(USH2A):c.11435A>G (p.Asn3812Ser)

Gene: USH2A (usherin; minus strand). Cytogenetic location: 1q41.
Variant type: single nucleotide variant.
Coding change: c.11435A>G on transcript NM_206933.4 (MANE Select); coding-DNA position 11435, A replaced by G.
Protein change: p.Asn3812Ser; replaces asparagine 3812 with serine.
Molecular consequence: missense variant.
Genome position (GRCh38, 1-based): chr1:215,743,290, T>C on the plus strand (A>G on the coding strand, the complement: USH2A is on the minus strand). VCF-style: chr1-215743290-T-C. GRCh37 (hg19) VCF-style: chr1-215916632-T-C.
Other names: short protein forms N3812S.
Identifiers: ClinVar variation 1016612 (VCV001016612.6), dbSNP rs776876392, ClinGen allele CA1393707.
Genomic context (GRCh38, chr1:215,743,290, plus strand): 5'-TCCAGAAGGGTGGATTGATGATGACCAACGGAGAAGGCCAGAGGTGTTACACTTCCATCA[T>C]TGAGTAAGACATTGTACTCCACAGGAATTTCGGGGATGAGGATCCCTTTAAAGAGAGAGA-3'
Protein context (NP_996816.3, residues 3802-3822): EIPVEYNVLL[Asn3812Ser]DGSVTPLAFS

ClinVar aggregate classification (germline): Uncertain significance. Review status: criteria provided, single submitter (1 of 4 stars). 2 submissions from 2 submitters: Uncertain significance (1). 1 of the submissions does not count toward it. Last evaluated 2024-10-15.

Conditions:
Usher syndrome type 2A. Also called: RETINAL DISEASE IN USHER SYNDROME TYPE IIA, MODIFIER OF; USHER SYNDROME, TYPE IIA. Identifiers: Orphanet 231178, Orphanet 886, MedGen C1848634, MONDO:0010169, OMIM 276901.

Allele frequency attached by ClinVar (database versions not stated): ExAC 0.00001; TOPMed 0.00001; gnomAD 0.00003 and 0.00004; gnomAD exomes 0.00004 and 0.00005.
gnomAD v4.1: 77 of 1,609,442 alleles (0.0048%); highest among the groups gnomAD compares: Non-Finnish European, 0.0059%; no homozygotes.

Submissions (2):

Labcorp Genetics (formerly Invitae), Labcorp
Classification: Uncertain significance. Last evaluated: 2024-10-15. Review status: criteria provided, single submitter. Criteria: Invitae Variant Classification Sherloc (09022015). Collection method: clinical testing. Allele origin: germline.
Comment: This sequence change replaces asparagine, which is neutral and polar, with serine, which is neutral and polar, at codon 3812 of the USH2A protein (p.Asn3812Ser). This variant is present in population databases (rs776876392, gnomAD 0.02%). This variant has not been reported in the literature in individuals affected with USH2A-related conditions. ClinVar contains an entry for this variant (Variation ID: 1016612). Invitae Evidence Modeling of protein sequence and biophysical properties (such as structural, functional, and spatial information, amino acid conservation, physicochemical variation, residue mobility, and thermodynamic stability) indicates that this missense variant is not expected to disrupt USH2A protein function with a negative predictive value of 95%. In summary, the available evidence is currently insufficient to determine the role of this variant in disease. Therefore, it has been classified as a Variant of Uncertain Significance.

Natera, Inc.
Classification: Uncertain significance for Usher syndrome type 2A. Last evaluated: 2020-01-17. Review status: no assertion criteria provided. Collection method: clinical testing. Allele origin: germline. Not counted in ClinVar's aggregate classification.